The following is an entry in ClinVar:

NM_001009944.3(PKD1):c.5181G>A (p.Pro1727=)

Gene: PKD1 (polycystin 1, transient receptor potential channel interacting; minus strand). Cytogenetic location: 16p13.3.
Variant type: single nucleotide variant.
Coding change: c.5181G>A on transcript NM_001009944.3 (MANE Select); coding-DNA position 5181, G replaced by A.
Protein change: p.Pro1727=; no amino-acid change (proline 1727 retained).
Molecular consequence: synonymous variant.
Genome position (GRCh38, 1-based): chr16:2,109,986, C>T on the plus strand (G>A on the coding strand, the complement: PKD1 is on the minus strand). VCF-style: chr16-2109986-C-T. GRCh37 (hg19) VCF-style: chr16-2159987-C-T.
Other names: c.5181G>A, p.Pro1727= (NM_000296.4).
Identifiers: ClinVar variation 3892021 (VCV003892021.3).

ClinVar aggregate classification (germline): Likely benign. Review status: criteria provided, multiple submitters, no conflicts (2 of 4 stars). 3 submissions from 3 submitters: Likely benign (3). Last evaluated 2024-10-10.

Conditions:
Polycystic kidney disease, adult type (PKD1). Also called: Polycystic Kidney Disease 1, Autosomal Dominant; Polycystic kidney disease 1; Polycystic kidney disease 1, severe; POLYCYSTIC KIDNEY DISEASE, ADULT, TYPE I; Polycystic Kidney, Autosomal Dominant; POLYCYSTIC KIDNEY DISEASE 1 WITH OR WITHOUT POLYCYSTIC LIVER DISEASE. Identifiers: MedGen C3149841, MONDO:0008263, OMIM 173900.
PKD1-related disorder. Also called: PKD1-related condition.

gnomAD v4.1: 14 of 1,609,762 alleles (0.00087%); highest among the groups gnomAD compares: African/African-American, 0.004%; no homozygotes.

Submissions (3):

PreventionGenetics, part of Exact Sciences
Classification: Likely benign for PKD1-related condition. Last evaluated: 2024-10-10. Review status: criteria provided, single submitter. Criteria: ACMG Guidelines, 2015. Collection method: clinical testing. Allele origin: germline.
Comment: This variant is classified as likely benign based on ACMG/AMP sequence variant interpretation guidelines (Richards et al. 2015 PMID: 25741868, with internal and published modifications).

Department of Pathology and Laboratory Medicine, Sinai Health System
Classification: Likely benign for Polycystic kidney disease, adult type. Last evaluated: 2023-07-04. Review status: criteria provided, single submitter. Criteria: ACMG Guidelines, 2015. Collection method: clinical testing. Allele origin: germline. Affected: yes.

Blueprint Genetics
Classification: Likely benign. Last evaluated: 2023-06-21. Review status: criteria provided, single submitter. Criteria: ACMG Guidelines, 2015. Collection method: clinical testing. Allele origin: germline.